The following is an entry in ClinVar:

ClinVar aggregate classification (germline): Uncertain significance. Review status: criteria provided, multiple submitters, no conflicts (2 of 4 stars). 2 submissions from 2 submitters: Uncertain significance (2). Last evaluated 2024-09-30.

Conditions:
Hereditary cancer-predisposing syndrome. Also called: Neoplastic Syndromes, Hereditary; Hereditary Cancer Syndrome; Hereditary neoplastic syndrome; Tumor predisposition. Identifiers: Orphanet 140162, MedGen C0027672, MeSH D009386, MONDO:0015356.

Submissions (2):

Labcorp Genetics (formerly Invitae), Labcorp
Classification: Uncertain significance. Last evaluated: 2024-09-30. Review status: criteria provided, single submitter. Criteria: Invitae Variant Classification Sherloc (09022015). Collection method: clinical testing. Allele origin: germline.
Comment: This sequence change replaces leucine, which is neutral and non-polar, with proline, which is neutral and non-polar, at codon 263 of the POLE protein (p.Leu263Pro). This variant is not present in population databases (gnomAD no frequency). This variant has not been reported in the literature in individuals affected with POLE-related conditions. ClinVar contains an entry for this variant (Variation ID: 2562938). Invitae Evidence Modeling of protein sequence and biophysical properties (such as structural, functional, and spatial information, amino acid conservation, physicochemical variation, residue mobility, and thermodynamic stability) indicates that this missense variant is expected to disrupt POLE protein function with a positive predictive value of 80%. In summary, the available evidence is currently insufficient to determine the role of this variant in disease. Therefore, it has been classified as a Variant of Uncertain Significance.

Ambry Genetics
Classification: Uncertain significance for Hereditary cancer-predisposing syndrome. Last evaluated: 2023-05-15. Review status: criteria provided, single submitter. Criteria: Ambry Variant Classification Scheme 2023. Collection method: clinical testing. Allele origin: germline.
Comment: The p.L263P variant (also known as c.788T>C), located in coding exon 8 of the POLE gene, results from a T to C substitution at nucleotide position 788. The leucine at codon 263 is replaced by proline, an amino acid with similar properties. This amino acid position is conserved. In addition, the in silico prediction for this alteration is inconclusive. Since supporting evidence is limited at this time, the clinical significance of this alteration remains unclear.

NM_006231.4(POLE):c.788T>C (p.Leu263Pro)

Gene: POLE (DNA polymerase epsilon, catalytic subunit; minus strand). Cytogenetic location: 12q24.33.
Variant type: single nucleotide variant.
Coding change: c.788T>C on transcript NM_006231.4 (MANE Select); coding-DNA position 788, T replaced by C.
Protein change: p.Leu263Pro; replaces leucine 263 with proline.
Molecular consequence: missense variant.
Genome position (GRCh38, 1-based): chr12:132,677,376, A>G on the plus strand (T>C on the coding strand, the complement: POLE is on the minus strand). VCF-style: chr12-132677376-A-G. GRCh37 (hg19) VCF-style: chr12-133253962-A-G.
Other names: short protein forms L263P.
Identifiers: ClinVar variation 2562938 (VCV002562938.4), dbSNP rs2542176465, ClinGen allele CA387364424.